The following is an entry in ClinVar:

ClinVar aggregate classification (germline): Likely benign. Review status: criteria provided, multiple submitters, no conflicts (2 of 4 stars). 3 submissions from 3 submitters: Likely benign (3). Last evaluated 2024-11-11.

Conditions:
Hereditary cancer-predisposing syndrome. Also called: Tumor predisposition; Neoplastic Syndromes, Hereditary; Hereditary Cancer Syndrome; Hereditary neoplastic syndrome. Identifiers: Orphanet 140162, MedGen C0027672, MeSH D009386, MONDO:0015356.
Hereditary diffuse gastric adenocarcinoma (HDGC). Also called: DIFFUSE GASTRIC AND LOBULAR BREAST CANCER SYNDROME. Identifiers: Orphanet 26106, MedGen C1708349, MONDO:0007648, OMIM 137215.

Allele frequency attached by ClinVar (database versions not stated): ExAC 0.00001; gnomAD exomes 0.00001.
gnomAD v4.1: 3 of 1,613,060 alleles (0.00019%); highest among the groups gnomAD compares: Admixed American, 0.005%; no homozygotes.

Submissions (3):

Labcorp Genetics (formerly Invitae), Labcorp
Classification: Likely benign for Hereditary diffuse gastric adenocarcinoma. Last evaluated: 2024-11-11. Review status: criteria provided, single submitter. Criteria: Invitae Variant Classification Sherloc (09022015). Collection method: clinical testing. Allele origin: germline.

Myriad Genetics, Inc.
Classification: Likely benign for Hereditary diffuse gastric adenocarcinoma. Last evaluated: 2024-09-19. Review status: criteria provided, single submitter. Criteria: Myriad Autosomal Dominant, Autosomal Recessive and X-Linked Classification Criteria (2023). Collection method: clinical testing. Allele origin: unknown.
Comment: This variant is considered likely benign. This variant is intronic and is not expected to impact mRNA splicing.

Color Diagnostics, LLC DBA Color Health
Classification: Likely benign for Hereditary cancer-predisposing syndrome. Last evaluated: 2017-01-16. Review status: criteria provided, single submitter. Criteria: ACMG Guidelines, 2015. Collection method: clinical testing. Allele origin: germline.

NM_004360.5(CDH1):c.1711+7G>T

Gene: CDH1 (cadherin 1; plus strand). Cytogenetic location: 16q22.1.
Variant type: single nucleotide variant.
Coding change: c.1711+7G>T on transcript NM_004360.5 (MANE Select); 7 bases into the intron after coding-DNA position 1711, G replaced by T.
Molecular consequence: intron variant.
Genome position (GRCh38, 1-based): chr16:68,819,432, G>T. VCF-style: chr16-68819432-G-T. GRCh37 (hg19) VCF-style: chr16-68853335-G-T.
Other names: c.1711+7G>T (LRG_301t1); c.163+7G>T (NM_001317185.2); c.-254-2569G>T (NM_001317186.2); c.1528+7G>T (NM_001317184.2).
Identifiers: ClinVar variation 406655 (VCV000406655.15), dbSNP rs762005138, ClinGen allele CA8130126.